The following is an entry in ClinVar:

ClinVar aggregate classification (germline): Likely pathogenic (1 of 4 stars; one submission).

Conditions:
Schaaf-Yang syndrome (SHFYNG). Also called: MAGEL2-related Prader-Willi-like syndrome; Arthrogryposis, distal, with hypopituitarism, intellectual disability, and facial anomalies. Identifiers: Orphanet 398069, MedGen C5575066, MONDO:0014243, OMIM 615547.

Submission:

3billion
Classification: Likely pathogenic for Schaaf-Yang syndrome. Last evaluated: 2024-06-17. Review status: criteria provided, single submitter. Criteria: ACMG Guidelines, 2015. Collection method: clinical testing. Allele origin: germline. Affected: yes.
Comment: The variant is not observed in the gnomAD v4.0.0 dataset. Predicted Consequence/Location: Frameshift: predicted to result in a loss or disruption of normal protein function through protein truncation. The predicted truncated protein may be shortened by more than 10%. Therefore, this variant is classified as Likely pathogenic according to the recommendation of ACMG/AMP guideline.

NM_019066.5(MAGEL2):c.2556dup (p.Thr853fs)

Gene: MAGEL2 (MAGE family member L2; minus strand). Cytogenetic location: 15q11.2.
Variant type: Duplication.
Coding change: c.2556dup on transcript NM_019066.5 (MANE Select); coding-DNA position 2556, one base duplicated (C; older notation c.2556dupC).
Protein change: p.Thr853fs; shifts the reading frame from threonine 853.
Molecular consequence: frameshift variant.
Genome position (GRCh38, 1-based): chr15:23,645,187, G duplicated on the plus strand (C on the coding strand, the reverse complement: MAGEL2 is on the minus strand); the first of 3 consecutive G bases (chr15:23,645,187-23,645,189); duplicating any one gives the same sequence. VCF-style (leftmost placement, unchanged base first): chr15-23645186-T-TG. GRCh37 (hg19) VCF-style: chr15-23890333-T-TG.
Other names: short protein forms T853fs.
Identifiers: ClinVar variation 4293157 (VCV004293157.1).
Genomic context (GRCh38, chr15:23,645,186, plus strand): 5'-TGGAGGCCTCTTGAGTGGTGGCAGTTGCCTGGGGGGCAGCTGCTGTAGCCATCAGGAAGG[T>TG]GGGCACTGCCTGCGATGCCTTTGAGGCATTCATATTGGGCTGTGGGACCCATGGAACTGC-3'